The following is an entry in ClinVar:

NM_001267550.2(TTN):c.20638G>A (p.Ala6880Thr)

Gene: TTN (titin; minus strand). Cytogenetic location: 2q31.2.
Variant type: single nucleotide variant.
Coding change: c.20638G>A on transcript NM_001267550.2 (MANE Select); coding-DNA position 20638, G replaced by A.
Protein change: p.Ala6880Thr; replaces alanine 6880 with threonine.
Molecular consequence: missense variant. On other transcripts: intron variant (3).
Genome position (GRCh38, 1-based): chr2:178,725,566, C>T on the plus strand (G>A on the coding strand, the complement: TTN is on the minus strand). VCF-style: chr2-178725566-C-T. GRCh37 (hg19) VCF-style: chr2-179590293-C-T.
Other names: p.A6563T:GCC>ACC; p.Ala6563Thr; c.19687G>A, p.Ala6563Thr (NM_001256850.1); c.16906G>A, p.Ala5636Thr (NM_133378.4); c.13282+12516G>A (NM_003319.4); c.13858+12516G>A (NM_133437.4); c.13657+12516G>A (NM_133432.3); short protein forms A6563T, A6880T, A5636T.
Identifiers: ClinVar variation 203289 (VCV000203289.2), dbSNP rs753356990, ClinGen allele CA311933.

ClinVar aggregate classification (germline): Uncertain significance. Review status: criteria provided, single submitter (1 of 4 stars). 2 submissions from 2 submitters: Uncertain significance (1). 1 of the submissions does not count toward it. Last evaluated 2025-02-01.

Allele frequency attached by ClinVar (database versions not stated): gnomAD 0.00002; TOPMed 0.00002; gnomAD exomes 0.00002; ExAC 0.00002.
gnomAD v4.1: 20 of 1,612,728 alleles (0.0012%); highest among the groups gnomAD compares: Middle Eastern, 0.049%; no homozygotes.

Submissions (2):

Mayo Clinic Laboratories, Mayo Clinic
Classification: Uncertain significance. Last evaluated: 2025-02-01. Review status: criteria provided, single submitter. Criteria: ACMG Guidelines, 2015. Collection method: clinical testing. Allele origin: germline. Observed: 1 variant allele.
Comment: BP4

GeneDx
No classification provided. Last evaluated: 2013-08-05. Review status: no classification provided. Criteria: GeneDx Variant Classification (06012015). Collection method: clinical testing. Allele origin: germline. Affected: yes. Not counted in ClinVar's aggregate classification.
Comment: Missense variants in the TTN gene are considered 'unclassified' if they are not previously reported in the literature and do not have >1% frequency in the population to be considered a polymorphism. Research indicates that truncating mutations in the TTN gene are expected to account for approximately 25% of familial and 18% of sporadic idiopathic DCM; however, truncating variants in the TTN gene have been reported in approximately 3% of reported control alleles. There has been little investigation into non-truncating variants. (Herman D et al. Truncations of titin causing dilated cardiomyopathy. N Eng J Med 366:619-628, 2012) The variant is found in DCM panel(s).